The following is an entry in ClinVar:

NM_024649.5(BBS1):c.184G>C (p.Gly62Arg)

Gene: BBS1 (Bardet-Biedl syndrome 1; plus strand). Cytogenetic location: 11q13.2.
Variant type: single nucleotide variant.
Coding change: c.184G>C on transcript NM_024649.5 (MANE Select); coding-DNA position 184, G replaced by C.
Protein change: p.Gly62Arg; replaces glycine 62 with arginine.
Molecular consequence: missense variant.
Genome position (GRCh38, 1-based): chr11:66,514,430, G>C. VCF-style: chr11-66514430-G-C. GRCh37 (hg19) VCF-style: chr11-66281901-G-C.
Other names: short protein forms G62R.
Identifiers: ClinVar variation 1417376 (VCV001417376.6), dbSNP rs763878620, ClinGen allele CA6123286.
Genomic context (GRCh38, chr11:66,514,430, plus strand): 5'-ACCCTGAGCCTAGAATGAGCCATCCTCTCCCTGCAGCTGGTGGTAGGGGACCTTGGCCCT[G>C]GTGGGCAGCAGCCCCGCCTGAAGGTGCTCAAAGGACCACTGGTGATGACCGAAAGCCCGC-3'
Protein context (NP_078925.3, residues 52-72): YKLVVGDLGP[Gly62Arg]GQQPRLKVLK

ClinVar aggregate classification (germline): Uncertain significance (1 of 4 stars; one submission).

Conditions:
Bardet-Biedl syndrome (BBS). Identifiers: Orphanet 110, MedGen C0752166, MONDO:0015229.

Allele frequency attached by ClinVar (database versions not stated): gnomAD 0.00001; gnomAD exomes 0.00001; TOPMed 0.00001; ExAC 0.00002.
gnomAD v4.1: 5 of 1,614,004 alleles (0.00031%); highest among the groups gnomAD compares: South Asian, 0.0022%; no homozygotes.

Submission:

Labcorp Genetics (formerly Invitae), Labcorp
Classification: Uncertain significance for Bardet-Biedl syndrome. Last evaluated: 2024-01-17. Review status: criteria provided, single submitter. Criteria: Invitae Variant Classification Sherloc (09022015). Collection method: clinical testing. Allele origin: germline.
Comment: This sequence change replaces glycine, which is neutral and non-polar, with arginine, which is basic and polar, at codon 62 of the BBS1 protein (p.Gly62Arg). This variant is present in population databases (rs763878620, gnomAD 0.003%). This variant has not been reported in the literature in individuals affected with BBS1-related conditions. ClinVar contains an entry for this variant (Variation ID: 1417376). Advanced modeling of protein sequence and biophysical properties (such as structural, functional, and spatial information, amino acid conservation, physicochemical variation, residue mobility, and thermodynamic stability) performed at Invitae indicates that this missense variant is not expected to disrupt BBS1 protein function with a negative predictive value of 80%. In summary, the available evidence is currently insufficient to determine the role of this variant in disease. Therefore, it has been classified as a Variant of Uncertain Significance.